The following is an entry in ClinVar:

NM_024926.4(IFT56):c.889C>T (p.Arg297Cys)

Gene: IFT56 (intraflagellar transport 56; plus strand). Cytogenetic location: 7q34.
Variant type: single nucleotide variant.
Coding change: c.889C>T on transcript NM_024926.4 (MANE Select); coding-DNA position 889, C replaced by T.
Protein change: p.Arg297Cys; replaces arginine 297 with cysteine.
Molecular consequence: missense variant.
Genome position (GRCh38, 1-based): chr7:139,165,228, C>T. VCF-style: chr7-139165228-C-T. GRCh37 (hg19) VCF-style: chr7-138849974-C-T.
Other names: c.889C>T, p.Arg297Cys (NM_001144920.3, NM_001321740.2); c.796C>T, p.Arg266Cys (NM_001144923.3); c.496C>T, p.Arg166Cys (NM_001287512.2); c.574C>T, p.Arg192Cys (NM_001287513.2); c.469C>T, p.Arg157Cys (NM_001318333.2); c.889C>T (NM_024926.3); c.571C>T, p.Arg191Cys (NM_001321741.2); short protein forms R157C, R166C, R191C, R192C, R297C, R266C.
Identifiers: ClinVar variation 2048267 (VCV002048267.4), dbSNP rs115547267, ClinGen allele CA4508260.

ClinVar aggregate classification (germline): Benign/Likely benign. Review status: criteria provided, multiple submitters, no conflicts (2 of 4 stars). 2 submissions from 2 submitters: Benign (1); Likely benign (1). Last evaluated 2026-06-18.

Conditions:
IFT56-related disorder. Also called: IFT56-related condition.

Allele frequency attached by ClinVar (database versions not stated): ESP Exome Variant Server 0.00008; TOPMed 0.00036; gnomAD exomes 0.00039; gnomAD 0.00045; 1000 Genomes Project 30x 0.00062; 1000 Genomes Project 0.00080; ExAC 0.00118.
gnomAD v4.1: 642 of 1,610,880 alleles (0.04%); highest among the groups gnomAD compares: East Asian, 0.32%; 2 homozygotes.

Submissions (2):

PreventionGenetics, part of Exact Sciences
Classification: Likely benign for IFT56-related condition. Last evaluated: 2026-06-18. Review status: criteria provided, single submitter. Criteria: ACMG Guidelines, 2015. Collection method: clinical testing. Allele origin: germline.
Comment: This variant is classified as likely benign based on ACMG/AMP sequence variant interpretation guidelines (Richards et al. 2015 PMID: 25741868, with internal and published modifications).

Labcorp Genetics (formerly Invitae), Labcorp
Classification: Benign. Last evaluated: 2025-11-18. Review status: criteria provided, single submitter. Criteria: Invitae Variant Classification Sherloc (09022015). Collection method: clinical testing. Allele origin: germline.